The following is an entry in ClinVar:

NM_001003841.3(SLC6A19):c.95G>A (p.Arg32Gln)

Gene: SLC6A19 (solute carrier family 6 member 19; plus strand). Cytogenetic location: 5p15.33.
Variant type: single nucleotide variant.
Coding change: c.95G>A on transcript NM_001003841.3 (MANE Select); coding-DNA position 95, G replaced by A.
Protein change: p.Arg32Gln; replaces arginine 32 with glutamine.
Molecular consequence: missense variant.
Genome position (GRCh38, 1-based): chr5:1,201,745, G>A. VCF-style: chr5-1201745-G-A. GRCh37 (hg19) VCF-style: chr5-1201860-G-A.
Other names: short protein forms R32Q.
Identifiers: ClinVar variation 1415571 (VCV001415571.8), dbSNP rs190631924, ClinGen allele CA3182561.

ClinVar aggregate classification (germline): Uncertain significance. Review status: criteria provided, multiple submitters, no conflicts (2 of 4 stars). 2 submissions from 2 submitters: Uncertain significance (2). Last evaluated 2024-04-20.

Conditions:
Neutral 1 amino acid transport defect (HND). Also called: HARTNUP DISORDER; Hartnup disease. Identifiers: Orphanet 2116, MedGen C0018609, MONDO:0009324, OMIM 234500.

Allele frequency attached by ClinVar (database versions not stated): TOPMed below 0.00001; 1000 Genomes Project 0.00020; 1000 Genomes Project 30x 0.00031.
gnomAD v4.1: 19 of 1,612,706 alleles (0.0012%); highest among the groups gnomAD compares: East Asian, 0.018%; no homozygotes.

Submissions (2):

Fulgent Genetics
Classification: Uncertain significance for Neutral 1 amino acid transport defect. Last evaluated: 2024-04-20. Review status: criteria provided, single submitter. Criteria: ACMG Guidelines, 2015. Collection method: clinical testing. Allele origin: germline.

Labcorp Genetics (formerly Invitae), Labcorp
Classification: Uncertain significance. Last evaluated: 2021-04-16. Review status: criteria provided, single submitter. Criteria: Invitae Variant Classification Sherloc (09022015). Collection method: clinical testing. Allele origin: germline.
Comment: In summary, the available evidence is currently insufficient to determine the role of this variant in disease. Therefore, it has been classified as a Variant of Uncertain Significance. Advanced modeling of protein sequence and biophysical properties (such as structural, functional, and spatial information, amino acid conservation, physicochemical variation, residue mobility, and thermodynamic stability) performed at Invitae indicates that this missense variant is expected to disrupt SLC6A19 protein function. This variant has not been reported in the literature in individuals with SLC6A19-related conditions. This variant is present in population databases (rs190631924, ExAC 0.009%). This sequence change replaces arginine with glutamine at codon 32 of the SLC6A19 protein (p.Arg32Gln). The arginine residue is highly conserved and there is a small physicochemical difference between arginine and glutamine.